The following is an entry in ClinVar:

ClinVar aggregate classification (germline): Uncertain significance (1 of 4 stars; one submission).

Conditions:
Inborn genetic diseases. Identifiers: MedGen C0950123, MeSH D030342.

Submission:

Ambry Genetics
Classification: Uncertain significance for Inborn genetic diseases. Last evaluated: 2025-07-28. Review status: criteria provided, single submitter. Criteria: Ambry Variant Classification Scheme 2023. Collection method: clinical testing. Allele origin: germline.
Comment: The p.I145M variant (also known as c.435C>G), located in coding exon 1 of the SH2B3 gene, results from a C to G substitution at nucleotide position 435. The isoleucine at codon 145 is replaced by methionine, an amino acid with highly similar properties. This amino acid position is conserved. In addition, this alteration is predicted to be tolerated by in silico analysis. Based on the available evidence, the clinical significance of this variant remains unclear.

NM_005475.3(SH2B3):c.435C>G (p.Ile145Met)

Gene: SH2B3 (SH2B adaptor protein 3; plus strand). Cytogenetic location: 12q24.12.
Variant type: single nucleotide variant.
Coding change: c.435C>G on transcript NM_005475.3 (MANE Select); coding-DNA position 435, C replaced by G.
Protein change: p.Ile145Met; replaces isoleucine 145 with methionine.
Molecular consequence: missense variant.
Genome position (GRCh38, 1-based): chr12:111,418,580, C>G. VCF-style: chr12-111418580-C-G. GRCh37 (hg19) VCF-style: chr12-111856384-C-G.
Other names: short protein forms I145M.
Identifiers: ClinVar variation 4163960 (VCV004163960.1).